The following is an entry in ClinVar:

ClinVar aggregate classification (germline): Likely benign. Review status: criteria provided, multiple submitters, no conflicts (2 of 4 stars). 2 submissions from 2 submitters: Likely benign (2). Last evaluated 2024-02-26.

Conditions:
Familial adenomatous polyposis 1 (FAP1). Also called: FAMILIAL ADENOMATOUS POLYPOSIS 1, ATTENUATED; POLYPOSIS, ADENOMATOUS INTESTINAL. Identifiers: MedGen C2713442, MONDO:0021056, OMIM 175100. Disease mechanism: loss of function.

Allele frequency attached by ClinVar (database versions not stated): gnomAD exomes below 0.00001.
gnomAD v4.1: 1 of 1,561,650 alleles (0.000064%); highest among the groups gnomAD compares: Non-Finnish European, 0.000088%; no homozygotes.

Submissions (2):

Myriad Genetics, Inc.
Classification: Likely benign for Familial adenomatous polyposis 1. Last evaluated: 2024-02-26. Review status: criteria provided, single submitter. Criteria: Myriad Autosomal Dominant, Autosomal Recessive and X-Linked Classification Criteria (2023). Collection method: clinical testing. Allele origin: unknown.
Comment: This variant is considered likely benign. This variant is intronic and is not expected to impact mRNA splicing.

Labcorp Genetics (formerly Invitae), Labcorp
Classification: Likely benign for Familial adenomatous polyposis 1. Last evaluated: 2022-11-08. Review status: criteria provided, single submitter. Criteria: Invitae Variant Classification Sherloc (09022015). Collection method: clinical testing. Allele origin: germline.

NM_000038.6(APC):c.646-19G>A

Gene: APC (APC regulator of Wnt signaling pathway; plus strand). Cytogenetic location: 5q22.2.
Variant type: single nucleotide variant.
Coding change: c.646-19G>A on transcript NM_000038.6 (MANE Select); 19 bases into the intron before coding-DNA position 646, G replaced by A.
Molecular consequence: intron variant.
Genome position (GRCh38, 1-based): chr5:112,792,427, G>A. VCF-style: chr5-112792427-G-A. GRCh37 (hg19) VCF-style: chr5-112128124-G-A.
Other names: c.646-19G>A (NM_001354895.2, NM_001127510.3, NM_001354896.2 and 1 more transcripts); c.676-19G>A (NM_001354897.2, NM_001354902.2); c.676-8852G>A (NM_001127511.3); c.571-19G>A (NM_001354898.2, NM_001354904.2); c.-390-19G>A (NM_001354906.2); c.646-8852G>A (NM_001354899.2); c.469-19G>A (NM_001354900.2, NM_001354901.2, NM_001354905.2).
Identifiers: ClinVar variation 1528675 (VCV001528675.9), dbSNP rs1759722058, ClinGen allele CA1573496932.